The following is an entry in ClinVar:

ClinVar aggregate classification (germline): Uncertain significance (1 of 4 stars; one submission).

Submission:

Labcorp Genetics (formerly Invitae), Labcorp
Classification: Uncertain significance. Last evaluated: 2023-11-11. Review status: criteria provided, single submitter. Criteria: Invitae Variant Classification Sherloc (09022015). Collection method: clinical testing. Allele origin: germline.
Comment: This sequence change replaces lysine, which is basic and polar, with glutamic acid, which is acidic and polar, at codon 409 of the MAP3K8 protein (p.Lys409Glu). This variant is not present in population databases (gnomAD no frequency). This variant has not been reported in the literature in individuals affected with MAP3K8-related conditions. An algorithm developed to predict the effect of missense changes on protein structure and function (PolyPhen-2) suggests that this variant is likely to be tolerated. In summary, the available evidence is currently insufficient to determine the role of this variant in disease. Therefore, it has been classified as a Variant of Uncertain Significance.

NM_005204.4(MAP3K8):c.1225A>G (p.Lys409Glu)

Gene: MAP3K8 (mitogen-activated protein kinase kinase kinase 8; plus strand). Cytogenetic location: 10p11.23.
Variant type: single nucleotide variant.
Coding change: c.1225A>G on transcript NM_005204.4 (MANE Select); coding-DNA position 1225, A replaced by G.
Protein change: p.Lys409Glu; replaces lysine 409 with glutamic acid.
Molecular consequence: missense variant.
Genome position (GRCh38, 1-based): chr10:30,459,453, A>G. VCF-style: chr10-30459453-A-G. GRCh37 (hg19) VCF-style: chr10-30748382-A-G.
Other names: c.1225A>G, p.Lys409Glu (NM_001244134.1, NM_001320961.2); short protein forms K409E.
Identifiers: ClinVar variation 3009248 (VCV003009248.3), dbSNP rs1320296400, ClinGen allele CA376432625.